The following is an entry in ClinVar:

ClinVar aggregate classification (germline): Uncertain significance (1 of 4 stars; one submission).

Submission:

Genetic Services Laboratory, University of Chicago
Classification: Uncertain significance. Last evaluated: 2021-08-03. Review status: criteria provided, single submitter. Criteria: ACMG Guidelines, 2015. Collection method: clinical testing. Allele origin: germline. Affected: no.
Comment: This sequence change does not appear to have been previously described in patients with ATM-related disorders and has also not been described in the population databases such as ExAC and gnomAD. The p.Glu560Val change affects a poorly conserved amino acid residue located in a domain of the ATM protein that is known to be functional. The p.Glu560Val substitution appears to be benign using several in-silico pathogenicity prediction tools (SIFT, PolyPhen2, Align GVGD, REVEL). Due to these contrasting evidences and the lack of functional studies, the clinical significance of the p.Glu560Val change remains unknown at this time.

NM_000051.4(ATM):c.1679A>T (p.Glu560Val)

Gene: ATM (ATM serine/threonine kinase; plus strand). Cytogenetic location: 11q22.3.
Variant type: single nucleotide variant.
Coding change: c.1679A>T on transcript NM_000051.4 (MANE Select); coding-DNA position 1679, A replaced by T.
Protein change: p.Glu560Val; replaces glutamic acid 560 with valine.
Molecular consequence: missense variant.
Genome position (GRCh38, 1-based): chr11:108,251,908, A>T. VCF-style: chr11-108251908-A-T. GRCh37 (hg19) VCF-style: chr11-108122635-A-T.
Other names: c.1679A>T, p.Glu560Val (NM_001351834.2); short protein forms E560V.
Identifiers: ClinVar variation 1338030 (VCV001338030.4), dbSNP rs762476611, ClinGen allele CA382535150.